The following is an entry in ClinVar:

NM_005618.4(DLL1):c.351G>C (p.Pro117=)

Gene: DLL1 (delta like canonical Notch ligand 1; minus strand). Cytogenetic location: 6q27.
Variant type: single nucleotide variant.
Coding change: c.351G>C on transcript NM_005618.4 (MANE Select); coding-DNA position 351, G replaced by C.
Protein change: p.Pro117=; no amino-acid change (proline 117 retained).
Molecular consequence: synonymous variant.
Genome position (GRCh38, 1-based): chr6:170,289,512, C>G on the plus strand (G>C on the coding strand, the complement: DLL1 is on the minus strand). VCF-style: chr6-170289512-C-G. GRCh37 (hg19) VCF-style: chr6-170598600-C-G.
Other names: c.351G>C (NM_005618.3).
Identifiers: ClinVar variation 2193606 (VCV002193606.5), dbSNP rs568795091, ClinGen allele CA4107194.

ClinVar aggregate classification (germline): Uncertain significance. Review status: criteria provided, multiple submitters, no conflicts (2 of 4 stars). 2 submissions from 2 submitters: Uncertain significance (2). Last evaluated 2023-06-05.

Conditions:
DLL1-related disorder. Also called: DLL1-related condition.

Allele frequency attached by ClinVar (database versions not stated): 1000 Genomes Project 30x 0.00016; 1000 Genomes Project 0.00020.
gnomAD v4.1: 13 of 1,534,160 alleles (0.00085%); highest among the groups gnomAD compares: African/African-American, 0.018%; no homozygotes.

Submissions (2):

PreventionGenetics, part of Exact Sciences
Classification: Uncertain significance for DLL1-related condition. Last evaluated: 2023-06-05. Review status: criteria provided, single submitter. Criteria: ACMG Guidelines, 2015. Collection method: clinical testing. Allele origin: germline.
Comment: The DLL1 c.351G>C variant is not predicted to result in an amino acid change (p.=). To our knowledge, this variant has not been reported in the literature. This variant is reported in 0.0067% of alleles in individuals of African descent in gnomAD. At this time, the clinical significance of this variant is uncertain due to the absence of conclusive functional and genetic evidence.

Labcorp Genetics (formerly Invitae), Labcorp
Classification: Uncertain significance. Last evaluated: 2022-02-23. Review status: criteria provided, single submitter. Criteria: Invitae Variant Classification Sherloc (09022015). Collection method: clinical testing. Allele origin: germline.
Comment: In summary, the available evidence is currently insufficient to determine the role of this variant in disease. Therefore, it has been classified as a Variant of Uncertain Significance. Variants that disrupt the consensus splice site are a relatively common cause of aberrant splicing (PMID: 17576681, 9536098). Algorithms developed to predict the effect of sequence changes on RNA splicing suggest that this variant may create or strengthen a splice site. This variant has not been reported in the literature in individuals affected with DLL1-related conditions. This variant is present in population databases (rs568795091, gnomAD 0.007%). This sequence change affects codon 117 of the DLL1 mRNA. It is a 'silent' change, meaning that it does not change the encoded amino acid sequence of the DLL1 protein. This variant also falls at the last nucleotide of exon 2, which is part of the consensus splice site for this exon.

Literature cited by the submitters: PubMed 17576681 (cited by Labcorp Genetics (formerly Invitae), Labcorp); PubMed 9536098 (cited by Labcorp Genetics (formerly Invitae), Labcorp).